The following is an entry in ClinVar:

NM_000260.4(MYO7A):c.5276A>T (p.Lys1759Met)

Gene: MYO7A (myosin VIIA; plus strand). Cytogenetic location: 11q13.5.
Variant type: single nucleotide variant.
Coding change: c.5276A>T on transcript NM_000260.4 (MANE Select); coding-DNA position 5276, A replaced by T.
Protein change: p.Lys1759Met; replaces lysine 1759 with methionine.
Molecular consequence: missense variant.
Genome position (GRCh38, 1-based): chr11:77,203,167, A>T. VCF-style: chr11-77203167-A-T. GRCh37 (hg19) VCF-style: chr11-76914212-A-T.
Other names: c.5162A>T, p.Lys1721Met (NM_001127180.2); c.5129A>T, p.Lys1710Met (NM_001369365.1); short protein forms K1710M, K1721M, K1759M.
Identifiers: ClinVar variation 3697624 (VCV003697624.2).

ClinVar aggregate classification (germline): Uncertain significance (1 of 4 stars; one submission).

Submission:

Labcorp Genetics (formerly Invitae), Labcorp
Classification: Uncertain significance. Last evaluated: 2024-05-13. Review status: criteria provided, single submitter. Criteria: Invitae Variant Classification Sherloc (09022015). Collection method: clinical testing. Allele origin: germline.
Comment: This sequence change replaces lysine, which is basic and polar, with methionine, which is neutral and non-polar, at codon 1759 of the MYO7A protein (p.Lys1759Met). This variant is not present in population databases (gnomAD no frequency). This variant has not been reported in the literature in individuals affected with MYO7A-related conditions. Advanced modeling of protein sequence and biophysical properties (such as structural, functional, and spatial information, amino acid conservation, physicochemical variation, residue mobility, and thermodynamic stability) has been performed at Invitae for this missense variant, however the output from this modeling did not meet the statistical confidence thresholds required to predict the impact of this variant on MYO7A protein function. In summary, the available evidence is currently insufficient to determine the role of this variant in disease. Therefore, it has been classified as a Variant of Uncertain Significance.